The following is an entry in ClinVar:

ClinVar aggregate classification (germline): Uncertain significance (1 of 4 stars; one submission).

Conditions:
Emery-Dreifuss muscular dystrophy (EDMD). Also called: Scapuloperoneal syndrome, X-linked (formerly); Humeroperoneal neuromuscular disease, (formerly). Identifiers: Orphanet 261, MedGen C0410189, MONDO:0016830.

Allele frequency attached by ClinVar (database versions not stated): gnomAD 0.00002 and 0.00001; 1000 Genomes Project 0.00040; 1000 Genomes Project 30x 0.00047; gnomAD exomes below 0.00001; TOPMed below 0.00001; ExAC 0.00001.
gnomAD v4.1: 4 of 1,611,438 alleles (0.00025%); highest among the groups gnomAD compares: Admixed American, 0.005%; no homozygotes.

Submission:

Labcorp Genetics (formerly Invitae), Labcorp
Classification: Uncertain significance for Emery-Dreifuss muscular dystrophy. Last evaluated: 2022-06-27. Review status: criteria provided, single submitter. Criteria: Invitae Variant Classification Sherloc (09022015). Collection method: clinical testing. Allele origin: germline.
Comment: This sequence change replaces alanine, which is neutral and non-polar, with threonine, which is neutral and polar, at codon 681 of the SUN2 protein (p.Ala681Thr). This variant is present in population databases (rs559096453, gnomAD 0.003%). This variant has not been reported in the literature in individuals affected with SUN2-related conditions. ClinVar contains an entry for this variant (Variation ID: 838691). Algorithms developed to predict the effect of missense changes on protein structure and function output the following: SIFT: "Tolerated"; PolyPhen-2: "Benign"; Align-GVGD: "Class C0". The threonine amino acid residue is found in multiple mammalian species, which suggests that this missense change does not adversely affect protein function. In summary, the available evidence is currently insufficient to determine the role of this variant in disease. Therefore, it has been classified as a Variant of Uncertain Significance.

NM_015374.3(SUN2):c.2041G>A (p.Ala681Thr)

Genes: GTPBP1 (GTP binding protein 1; plus strand), SUN2 (Sad1 and UNC84 domain containing 2; minus strand). Cytogenetic location: 22q13.1.
Variant type: single nucleotide variant.
Coding change: c.2041G>A on transcript NM_015374.3 (MANE Select); coding-DNA position 2041, G replaced by A.
Protein change: p.Ala681Thr; replaces alanine 681 with threonine.
Molecular consequence: missense variant.
Genome position (GRCh38, 1-based): chr22:38,736,380, C>T on the plus strand (G>A on the coding strand, the complement: SUN2 is on the minus strand). VCF-style: chr22-38736380-C-T. GRCh37 (hg19) VCF-style: chr22-39132385-C-T.
Other names: c.2104G>A, p.Ala702Thr (NM_001199579.2); c.2041G>A, p.Ala681Thr (NM_001199580.2); short protein forms A681T, A702T.
Identifiers: ClinVar variation 838691 (VCV000838691.10), dbSNP rs559096453, ClinGen allele CA10235317.